The following is an entry in ClinVar:

ClinVar aggregate classification (germline): Uncertain significance (1 of 4 stars; one submission).

Submission:

Athena Diagnostics
Classification: Uncertain significance. Last evaluated: 2025-08-12. Review status: criteria provided, single submitter. Criteria: Athena Diagnostics Criteria. Collection method: clinical testing. Allele origin: unknown.
Comment: Available data are insufficient to determine the clinical significance of the variant at this time. This variant has not been reported in large, multi-ethnic general populations. Polyphen and MutationTaster predict this amino acid change may be damaging to the protein.

NM_001378452.1(ITPR1):c.1214C>T (p.Pro405Leu)

Gene: ITPR1 (inositol 1,4,5-trisphosphate receptor type 1; plus strand). Cytogenetic location: 3p26.1.
Variant type: single nucleotide variant.
Coding change: c.1214C>T on transcript NM_001378452.1 (MANE Select); coding-DNA position 1214, C replaced by T.
Protein change: p.Pro405Leu; replaces proline 405 with leucine.
Molecular consequence: missense variant.
Genome position (GRCh38, 1-based): chr3:4,661,050, C>T. VCF-style: chr3-4661050-C-T. GRCh37 (hg19) VCF-style: chr3-4702734-C-T.
Other names: c.1214C>T, p.Pro405Leu (NM_001099952.4); c.1169C>T, p.Pro390Leu (NM_001168272.2, NM_002222.7); short protein forms P390L, P405L.
Identifiers: ClinVar variation 4682187 (VCV004682187.1).